The following is an entry in ClinVar:

NM_022124.6(CDH23):c.1153A>T (p.Met385Leu)

Gene: CDH23 (cadherin related 23; plus strand). Cytogenetic location: 10q22.1.
Variant type: single nucleotide variant.
Coding change: c.1153A>T on transcript NM_022124.6 (MANE Select); coding-DNA position 1153, A replaced by T.
Protein change: p.Met385Leu; replaces methionine 385 with leucine.
Molecular consequence: missense variant.
Genome position (GRCh38, 1-based): chr10:71,645,843, A>T. VCF-style: chr10-71645843-A-T. GRCh37 (hg19) VCF-style: chr10-73405600-A-T.
Other names: c.1153A>T, p.Met385Leu (NM_001171930.2, NM_001171931.2, NM_052836.4); short protein forms M385L.
Identifiers: ClinVar variation 1297512 (VCV001297512.6), dbSNP rs772474417, ClinGen allele CA5543720.

ClinVar aggregate classification (germline): Uncertain significance. Review status: criteria provided, single submitter (1 of 4 stars). 4 submissions from 4 submitters: Uncertain significance (1). 3 of the submissions do not count toward it. Last evaluated 2022-07-06.

Conditions:
Optic atrophy. Identifiers: MedGen C0029124, MONDO:0003608, HP:0000648.

Allele frequency attached by ClinVar (database versions not stated): ExAC 0.00001; gnomAD exomes 0.00001; gnomAD 0.00001.
gnomAD v4.1: 10 of 1,610,716 alleles (0.00062%); highest among the groups gnomAD compares: South Asian, 0.0033%; no homozygotes.

Submissions (4):

Labcorp Genetics (formerly Invitae), Labcorp
Classification: Uncertain significance. Last evaluated: 2022-07-06. Review status: criteria provided, single submitter. Criteria: Invitae Variant Classification Sherloc (09022015). Collection method: clinical testing. Allele origin: germline.
Comment: This sequence change replaces methionine, which is neutral and non-polar, with leucine, which is neutral and non-polar, at codon 385 of the CDH23 protein (p.Met385Leu). This variant is present in population databases (rs772474417, gnomAD 0.003%). This variant has not been reported in the literature in individuals affected with CDH23-related conditions. ClinVar contains an entry for this variant (Variation ID: 1297512). Algorithms developed to predict the effect of missense changes on protein structure and function are either unavailable or do not agree on the potential impact of this missense change (SIFT: "Tolerated"; PolyPhen-2: "Not Available"; Align-GVGD: "Class C0"). In summary, the available evidence is currently insufficient to determine the role of this variant in disease. Therefore, it has been classified as a Variant of Uncertain Significance.

Institute of Human Genetics, Univ. Regensburg, Univ. Regensburg
Classification: Uncertain significance for Optic atrophy. Last evaluated: 2022-01-01. Review status: no assertion criteria provided. Criteria: ACMG Guidelines, 2015. Collection method: clinical testing. Allele origin: germline. Affected: yes. Not counted in ClinVar's aggregate classification.

Clinical Genetics DNA and cytogenetics Diagnostics Lab, Erasmus MC, Erasmus Medical Center
Classification: Uncertain significance. Review status: no assertion criteria provided. Collection method: clinical testing. Allele origin: germline. Affected: yes. Study: VKGL Data-share Consensus. Not counted in ClinVar's aggregate classification.

Joint Genome Diagnostic Labs from Nijmegen and Maastricht, Radboudumc and MUMC+
Classification: Uncertain significance. Review status: no assertion criteria provided. Collection method: clinical testing. Allele origin: germline. Affected: yes. Study: VKGL Data-share Consensus. Not counted in ClinVar's aggregate classification.